The following is an entry in ClinVar:

ClinVar aggregate classification (germline): Conflicting classifications of pathogenicity. Review status: criteria provided, conflicting classifications (1 of 4 stars). 2 submissions from 2 submitters: Uncertain significance (1); Likely benign (1). Last evaluated 2025-11-18.

Conditions:
Cardiovascular phenotype. Identifiers: MedGen CN230736.

Allele frequency attached by ClinVar (database versions not stated): gnomAD exomes below 0.00001.
gnomAD v4.1: 1 of 1,613,584 alleles (0.000062%); highest among the groups gnomAD compares: Non-Finnish European, 0.000085%; no homozygotes.

Submissions (2):

Labcorp Genetics (formerly Invitae), Labcorp
Classification: Uncertain significance. Last evaluated: 2025-11-18. Review status: criteria provided, single submitter. Criteria: Invitae Variant Classification Sherloc (09022015). Collection method: clinical testing. Allele origin: germline.
Comment: This sequence change affects codon 425 of the ALPK3 mRNA. It is a 'silent' change, meaning that it does not change the encoded amino acid sequence of the ALPK3 protein. This variant is not present in population databases (gnomAD no frequency). This variant has been observed in individual(s) with hypertrophic cardiomyopathy (PMID: 32480058). ClinVar contains an entry for this variant (Variation ID: 1766330). Algorithms developed to predict the effect of sequence changes on RNA splicing suggest that this variant may create or strengthen a splice site. In summary, the available evidence is currently insufficient to determine the role of this variant in disease. Therefore, it has been classified as a Variant of Uncertain Significance.

Ambry Genetics
Classification: Likely benign for Cardiovascular phenotype. Last evaluated: 2020-09-13. Review status: criteria provided, single submitter. Criteria: Ambry Variant Classification Scheme 2023. Collection method: clinical testing. Allele origin: germline.

Literature cited by the submitters: PubMed 32480058 (cited by Labcorp Genetics (formerly Invitae), Labcorp).

NM_020778.5(ALPK3):c.669A>T (p.Arg223=)

Gene: ALPK3 (alpha kinase 3; plus strand). Cytogenetic location: 15q25.3.
Variant type: single nucleotide variant.
Coding change: c.669A>T on transcript NM_020778.5 (MANE Select); coding-DNA position 669, A replaced by T.
Protein change: p.Arg223=; no amino-acid change (arginine 223 retained).
Molecular consequence: synonymous variant.
Genome position (GRCh38, 1-based): chr15:84,839,948, A>T. VCF-style: chr15-84839948-A-T. GRCh37 (hg19) VCF-style: chr15-85383179-A-T.
Identifiers: ClinVar variation 1766330 (VCV001766330.7), dbSNP rs1963639188, ClinGen allele CA492277453.
Genomic context (GRCh38, chr15:84,839,948, plus strand): 5'-GAAGGCGGTGCCTGGGGAGGTCGACACTCTGCGCAAGCTCAGCCCCGACCGCTTCCAGCG[A>T]AAGCGGCGATTGAGCGGGGCTCAAGCGCCGGGCCCCTCGGTCCCTACCAGGGAGCCTGAG-3'
Protein context (NP_065829.4, residues 213-233): LRKLSPDRFQ[Arg223=]KRRLSGAQAP